The following is an entry in ClinVar:

NM_001849.4(COL6A2):c.422T>C (p.Met141Thr)

Gene: COL6A2 (collagen type VI alpha 2 chain; plus strand). Cytogenetic location: 21q22.3.
Variant type: single nucleotide variant.
Coding change: c.422T>C on transcript NM_001849.4 (MANE Select); coding-DNA position 422, T replaced by C.
Protein change: p.Met141Thr; replaces methionine 141 with threonine.
Molecular consequence: missense variant.
Genome position (GRCh38, 1-based): chr21:46,112,285, T>C. VCF-style: chr21-46112285-T-C. GRCh37 (hg19) VCF-style: chr21-47532199-T-C.
Other names: c.422T>C, p.Met141Thr (NM_058174.3, NM_058175.3); short protein forms M141T.
Identifiers: ClinVar variation 575249 (VCV000575249.10), dbSNP rs1568925911, ClinGen allele CA410521488.

ClinVar aggregate classification (germline): Uncertain significance. Review status: criteria provided, multiple submitters, no conflicts (2 of 4 stars). 2 submissions from 2 submitters: Uncertain significance (2). Last evaluated 2024-02-21.

Conditions:
Inborn genetic diseases. Identifiers: MedGen C0950123, MeSH D030342.
Bethlem myopathy 1A. Also called: Bethlem myopathy 1; MYOPATHY, BENIGN CONGENITAL, WITH CONTRACTURES; Bethlem Muscular Dystrophy. Identifiers: Orphanet 610, MedGen CN029274, MONDO:0024530, OMIM 158810.

Allele frequency attached by ClinVar (database versions not stated): gnomAD exomes below 0.00001.

Submissions (2):

Ambry Genetics
Classification: Uncertain significance for Inborn genetic diseases. Last evaluated: 2024-02-21. Review status: criteria provided, single submitter. Criteria: Ambry Variant Classification Scheme 2023. Collection method: clinical testing. Allele origin: germline.

Labcorp Genetics (formerly Invitae), Labcorp
Classification: Uncertain significance for Bethlem myopathy 1A. Last evaluated: 2021-08-30. Review status: criteria provided, single submitter. Criteria: Invitae Variant Classification Sherloc (09022015). Collection method: clinical testing. Allele origin: germline.
Comment: This variant has not been reported in the literature in individuals with COL6A2-related conditions. ClinVar contains an entry for this variant (Variation ID: 575249). Advanced modeling of protein sequence and biophysical properties (such as structural, functional, and spatial information, amino acid conservation, physicochemical variation, residue mobility, and thermodynamic stability) performed at Invitae indicates that this missense variant is not expected to disrupt COL6A2 protein function. In summary, the available evidence is currently insufficient to determine the role of this variant in disease. Therefore, it has been classified as a Variant of Uncertain Significance. This variant is not present in population databases (ExAC no frequency). This sequence change replaces methionine with threonine at codon 141 of the COL6A2 protein (p.Met141Thr). The methionine residue is highly conserved and there is a moderate physicochemical difference between methionine and threonine.